The following is an entry in ClinVar:

ClinVar aggregate classification (germline): Uncertain significance (1 of 4 stars; one submission).

Submission:

Labcorp Genetics (formerly Invitae), Labcorp
Classification: Uncertain significance. Last evaluated: 2025-04-17. Review status: criteria provided, single submitter. Criteria: Invitae Variant Classification Sherloc (09022015). Collection method: clinical testing. Allele origin: germline.
Comment: This sequence change replaces phenylalanine, which is neutral and non-polar, with leucine, which is neutral and non-polar, at codon 31 of the MMP9 protein (p.Phe31Leu). This variant is not present in population databases (gnomAD no frequency). This variant has not been reported in the literature in individuals affected with MMP9-related conditions. ClinVar contains an entry for this variant (Variation ID: 3700602). Invitae Evidence Modeling of protein sequence and biophysical properties (such as structural, functional, and spatial information, amino acid conservation, physicochemical variation, residue mobility, and thermodynamic stability) has been performed for this missense variant. However, the output from this modeling did not meet the statistical confidence thresholds required to predict the impact of this variant on MMP9 protein function. In summary, the available evidence is currently insufficient to determine the role of this variant in disease. Therefore, it has been classified as a Variant of Uncertain Significance.

NM_004994.3(MMP9):c.91T>C (p.Phe31Leu)

Gene: MMP9 (matrix metallopeptidase 9; plus strand). Cytogenetic location: 20q13.12.
Variant type: single nucleotide variant.
Coding change: c.91T>C on transcript NM_004994.3 (MANE Select); coding-DNA position 91, T replaced by C.
Protein change: p.Phe31Leu; replaces phenylalanine 31 with leucine.
Molecular consequence: missense variant.
Genome position (GRCh38, 1-based): chr20:46,009,017, T>C. VCF-style: chr20-46009017-T-C. GRCh37 (hg19) VCF-style: chr20-44637656-T-C.
Other names: short protein forms F31L.
Identifiers: ClinVar variation 3700602 (VCV003700602.2).